The following is an entry in ClinVar:

NM_001172509.2(SATB2):c.221A>C (p.Glu74Ala)

Gene: SATB2 (SATB homeobox 2; minus strand). Cytogenetic location: 2q33.1.
Variant type: single nucleotide variant.
Coding change: c.221A>C on transcript NM_001172509.2 (MANE Select); coding-DNA position 221, A replaced by C.
Protein change: p.Glu74Ala; replaces glutamic acid 74 with alanine.
Molecular consequence: missense variant. On other transcripts: non-coding transcript variant (1).
Genome position (GRCh38, 1-based): chr2:199,433,463, T>G on the plus strand (A>C on the coding strand, the complement: SATB2 is on the minus strand). VCF-style: chr2-199433463-T-G. GRCh37 (hg19) VCF-style: chr2-200298186-T-G.
Other names: c.221A>C, p.Glu74Ala (NM_001172517.1, NM_015265.4); short protein forms E74A.
Identifiers: ClinVar variation 4746438 (VCV004746438.1).

ClinVar aggregate classification (germline): Uncertain significance (1 of 4 stars; one submission).

Conditions:
Chromosome 2q32-q33 deletion syndrome (GLASS). Also called: Glass syndrome; 2q33.1 deletion syndrome. Identifiers: Orphanet 251019, MedGen C2676739, MONDO:0012864, OMIM 612313.

Submission:

Labcorp Genetics (formerly Invitae), Labcorp
Classification: Uncertain significance for Chromosome 2q32-q33 deletion syndrome. Last evaluated: 2025-05-23. Review status: criteria provided, single submitter. Criteria: Invitae Variant Classification Sherloc (09022015). Collection method: clinical testing. Allele origin: germline.
Comment: This sequence change replaces glutamic acid, which is acidic and polar, with alanine, which is neutral and non-polar, at codon 74 of the SATB2 protein (p.Glu74Ala). This variant is not present in population databases (gnomAD no frequency). This variant has not been reported in the literature in individuals affected with SATB2-related conditions. Invitae Evidence Modeling of protein sequence and biophysical properties (such as structural, functional, and spatial information, amino acid conservation, physicochemical variation, residue mobility, and thermodynamic stability) indicates that this missense variant is not expected to disrupt SATB2 protein function with a negative predictive value of 80%. In summary, the available evidence is currently insufficient to determine the role of this variant in disease. Therefore, it has been classified as a Variant of Uncertain Significance.